The following is an entry in ClinVar:

ClinVar aggregate classification (germline): Uncertain significance (1 of 4 stars; one submission).

Allele frequency attached by ClinVar (database versions not stated): TOPMed below 0.00001; ExAC 0.00001; gnomAD 0.00001 and 0.00002; gnomAD exomes 0.00002.
gnomAD v4.1: 10 of 1,614,062 alleles (0.00062%); highest among the groups gnomAD compares: East Asian, 0.0045%; no homozygotes.

Submission:

Labcorp Genetics (formerly Invitae), Labcorp
Classification: Uncertain significance. Last evaluated: 2023-11-06. Review status: criteria provided, single submitter. Criteria: Invitae Variant Classification Sherloc (09022015). Collection method: clinical testing. Allele origin: germline.
Comment: This sequence change replaces arginine, which is basic and polar, with histidine, which is basic and polar, at codon 562 of the CDH3 protein (p.Arg562His). This variant is present in population databases (rs759593760, gnomAD 0.005%). This variant has not been reported in the literature in individuals affected with CDH3-related conditions. ClinVar contains an entry for this variant (Variation ID: 971014). Advanced modeling of protein sequence and biophysical properties (such as structural, functional, and spatial information, amino acid conservation, physicochemical variation, residue mobility, and thermodynamic stability) performed at Invitae indicates that this missense variant is not expected to disrupt CDH3 protein function with a negative predictive value of 80%. In summary, the available evidence is currently insufficient to determine the role of this variant in disease. Therefore, it has been classified as a Variant of Uncertain Significance.

NM_001793.6(CDH3):c.1685G>A (p.Arg562His)

Gene: CDH3 (cadherin 3; plus strand). Cytogenetic location: 16q22.1.
Variant type: single nucleotide variant.
Coding change: c.1685G>A on transcript NM_001793.6 (MANE Select); coding-DNA position 1685, G replaced by A.
Protein change: p.Arg562His; replaces arginine 562 with histidine.
Molecular consequence: missense variant.
Genome position (GRCh38, 1-based): chr16:68,687,626, G>A. VCF-style: chr16-68687626-G-A. GRCh37 (hg19) VCF-style: chr16-68721529-G-A.
Other names: c.1685G>A, p.Arg562His (NM_001317195.3); c.1520G>A, p.Arg507His (NM_001317196.2); short protein forms R562H, R507H.
Identifiers: ClinVar variation 971014 (VCV000971014.5), dbSNP rs759593760, ClinGen allele CA8129441.
Genomic context (GRCh38, chr16:68,687,626, plus strand): 5'-ATGACCATGGCCCAGTCCCTGAGCCCCGTCAGATCACCATCTGCAACCAAAGCCCTGTGC[G>A]CCAGGTGCTGAACATCACGGACAAGGACCTGTCTCCCCACACCTCCCCTTTCCAGGCCCA-3'
Protein context (NP_001784.2, residues 552-572): QITICNQSPV[Arg562His]QVLNITDKDL